The following is an entry in ClinVar:

ClinVar aggregate classification (germline): Uncertain significance (1 of 4 stars; one submission).

Conditions:
Inborn genetic diseases. Identifiers: MedGen C0950123, MeSH D030342.

Submission:

Ambry Genetics
Classification: Uncertain significance for Inborn genetic diseases. Last evaluated: 2024-05-07. Review status: criteria provided, single submitter. Criteria: Ambry Variant Classification Scheme 2023. Collection method: clinical testing. Allele origin: germline.
Comment: The p.D341E variant (also known as c.1023C>G), located in coding exon 9 of the ACD gene, results from a C to G substitution at nucleotide position 1023. The aspartic acid at codon 341 is replaced by glutamic acid, an amino acid with highly similar properties. This amino acid position is conserved. In addition, this alteration is predicted to be tolerated by in silico analysis. Based on the available evidence, the clinical significance of this variant remains unclear.

NM_001082486.2(ACD):c.765C>G (p.Asp255Glu)

Gene: ACD (ACD shelterin complex subunit and telomerase recruitment factor; minus strand). Cytogenetic location: 16q22.1.
Variant type: single nucleotide variant.
Coding change: c.765C>G on transcript NM_001082486.2 (MANE Select); coding-DNA position 765, C replaced by G.
Protein change: p.Asp255Glu; replaces aspartic acid 255 with glutamic acid.
Molecular consequence: missense variant. On other transcripts: intron variant (1).
Genome position (GRCh38, 1-based): chr16:67,658,619, G>C on the plus strand (C>G on the coding strand, the complement: ACD is on the minus strand). VCF-style: chr16-67658619-G-C. GRCh37 (hg19) VCF-style: chr16-67692522-G-C.
Other names: c.756C>G, p.Asp252Glu (NM_022914.3); c.742+101C>G (NM_001410884.1); short protein forms D252E, D255E.
Identifiers: ClinVar variation 3261530 (VCV003261530.1).